The following is an entry in ClinVar:

ClinVar aggregate classification (germline): Uncertain significance (1 of 4 stars; one submission).

gnomAD v4.1: 73 of 152,260 alleles (0.048%); highest among the groups gnomAD compares: Non-Finnish European, 0.078%; no homozygotes.

Submission:

Greenwood Genetic Center Diagnostic Laboratories, Greenwood Genetic Center
Classification: Uncertain significance. Last evaluated: 2024-09-23. Review status: criteria provided, single submitter. Criteria: ACMG Guidelines, 2015. Collection method: clinical testing. Allele origin: germline. Affected: yes.
Comment: PM3

NM_000441.2(SLC26A4):c.1615-866G>A

Gene: SLC26A4 (solute carrier family 26 member 4; plus strand). Cytogenetic location: 7q22.3.
Variant type: single nucleotide variant.
Coding change: c.1615-866G>A on transcript NM_000441.2 (MANE Select); 866 bases into the intron before coding-DNA position 1615, G replaced by A.
Molecular consequence: intron variant.
Genome position (GRCh38, 1-based): chr7:107,699,217, G>A. VCF-style: chr7-107699217-G-A. GRCh37 (hg19) VCF-style: chr7-107339662-G-A.
Identifiers: ClinVar variation 3765661 (VCV003765661.1).